The following is an entry in ClinVar:

NM_004006.3(DMD):c.4976A>G (p.Asn1659Ser)

Gene: DMD (dystrophin; minus strand). Cytogenetic location: Xp21.1.
Variant type: single nucleotide variant.
Coding change: c.4976A>G on transcript NM_004006.3 (MANE Select); coding-DNA position 4976, A replaced by G.
Protein change: p.Asn1659Ser; replaces asparagine 1659 with serine.
Molecular consequence: missense variant.
Genome position (GRCh38, 1-based): chrX:32,365,069, T>C on the plus strand (A>G on the coding strand, the complement: DMD is on the minus strand). VCF-style: chrX-32365069-T-C. GRCh37 (hg19) VCF-style: chrX-32383186-T-C.
Other names: c.4952A>G, p.Asn1651Ser (NM_000109.4); c.4964A>G, p.Asn1655Ser (NM_004009.3); c.4607A>G, p.Asn1536Ser (NM_004010.3); c.953A>G, p.Asn318Ser (NM_004011.4); c.944A>G, p.Asn315Ser (NM_004012.4); short protein forms N1659S, N315S, N1536S, N1655S, N1651S, N318S.
Identifiers: ClinVar variation 2809754 (VCV002809754.3), dbSNP rs2522568243, ClinGen allele CA412671922.

ClinVar aggregate classification (germline): Uncertain significance (1 of 4 stars; one submission).

Conditions:
Duchenne muscular dystrophy (DMD). Also called: MUSCULAR DYSTROPHY, PSEUDOHYPERTROPHIC PROGRESSIVE, DUCHENNE TYPE; Duchenne Muscular Dystrophy (DMD). Identifiers: Orphanet 98896, MedGen C0013264, MONDO:0010679, OMIM 310200.

Submission:

Labcorp Genetics (formerly Invitae), Labcorp
Classification: Uncertain significance for Duchenne muscular dystrophy. Last evaluated: 2022-10-26. Review status: criteria provided, single submitter. Criteria: Invitae Variant Classification Sherloc (09022015). Collection method: clinical testing. Allele origin: germline.
Comment: In summary, the available evidence is currently insufficient to determine the role of this variant in disease. Therefore, it has been classified as a Variant of Uncertain Significance. Advanced modeling of protein sequence and biophysical properties (such as structural, functional, and spatial information, amino acid conservation, physicochemical variation, residue mobility, and thermodynamic stability) performed at Invitae indicates that this missense variant is not expected to disrupt DMD protein function. This variant has not been reported in the literature in individuals affected with DMD-related conditions. This variant is not present in population databases (gnomAD no frequency). This sequence change replaces asparagine, which is neutral and polar, with serine, which is neutral and polar, at codon 1659 of the DMD protein (p.Asn1659Ser).